The following continues an entry in ClinVar:

NM_000059.4(BRCA2):c.8487+1G>A

Gene: BRCA2. ClinVar aggregate classification (germline): Pathogenic. Pathogenic (1).

Submissions 8 to 18 of 18:

ARUP Laboratories, Molecular Genetics and Genomics, ARUP Laboratories
Classification: Pathogenic. Last evaluated: 2021-09-27. Review status: criteria provided, single submitter. Criteria: ARUP Molecular Germline Variant Investigation Process 2021. Collection method: clinical testing. Allele origin: germline. Not counted in ClinVar's aggregate classification.
Comment: The BRCA2 c.8487+1G>A variant (rs81002798), also known as IVS19+1, is reported in the literature in several individuals and families affected with breast and/or ovarian cancer (Agata 2003, Chen 2006, Gao 2020, Veschi 2007). This variant is also reported in ClinVar (Variation ID: 52602), and is classified as pathogenic by the evidence-based network for the interpretation of germline mutant alleles (ENIGMA) expert panel (see link to ENIGMA consortium classification criteria). This variant is absent from the Genome Aggregation Database, indicating it is not a common polymorphism. This variant disrupts the canonical splice donor site of intron 19, and functional assays demonstrate skipping of exon 19 (Agata 2003, Chen 2006). Based on available information, this variant is considered to be pathogenic. References: Link to ENIGMA classification criteria: Agata S et al. The BRCA2 sequence variant IVS19+1G-->A leads to an aberrant transcript lacking exon 19. Cancer Genet Cytogenet. 2003 Mar;141(2):175-6. PMID: 12606139. Chen X et al. Intronic alterations in BRCA1 and BRCA2: effect on mRNA splicing fidelity and expression. Hum Mutat. 2006 May;27(5):427-35. PMID: 16619214. Gao X et al. Comprehensive profiling of BRCA1 and BRCA2 variants in breast and ovarian cancer in Chinese patients. Hum Mutat. 2020 Mar;41(3):696-708. PMID: 31825140. Veschi S et al. High prevalence of BRCA1 deletions in BRCAPRO-positive patients with high carrier probability. Ann Oncol. 2007 Jun;18 Suppl 6:vi86-92. PMID: 17591842.

Sema4
Classification: Pathogenic for Hereditary cancer-predisposing syndrome. Last evaluated: 2021-09-20. Review status: criteria provided, single submitter. Criteria: Sema4 Curation Guidelines. Collection method: curation. Allele origin: germline. Not counted in ClinVar's aggregate classification.
Comment: The BRCA2 c.8487+1G>A variant has been reported in heterozygosity in >15 individuals with a personal and/or family history of breast, ovarian, and prostate cancer (PMID: 29446198, 12606139, 16619214, 31921681, 26681312, 28294317, 32438681, among others). It is also known as IVS19+1G>A in the literature. This variant is a well-established pathogenic variant associated with hereditary breast and ovarian cancer syndrome (PMID: 29446198). This variant affects a nucleotide within a consensus splice site of an intron. Experimental studies have shown this variant leads to the skipping of exon 19 (PMID: 12606139, 16619214, 22632462). This variant is not reported in the population database Genome Aggregation Database (PMID: 32461654). This variant has been reported in ClinVar (Variation ID: 52602). Based on the current evidence available, this variant is interpreted as pathogenic.

Quest Diagnostics Nichols Institute San Juan Capistrano
Classification: Pathogenic. Last evaluated: 2021-05-12. Review status: criteria provided, single submitter. Criteria: Quest Diagnostics criteria. Collection method: clinical testing. Allele origin: unknown. Not counted in ClinVar's aggregate classification.
Comment: This variant is located in a canonical splice-donor site and interferes with normal BRCA2 mRNA splicing. The variant has been described in individuals with breast cancer in the published literature (PMID: 30702160 (2019), 29446198 (2018), 28294317 (2017), 27062684 (2016), 26681312 (2015), 24156927 (2014)). In addition, this variant has been shown to result in BRCA2 exon 19 skipping and the deletion of 52 amino acids from the BRCA2 protein ((PMID: 32398771 (2020), 22632462 (2012), 16619214 (2006)). This variant has not been reported in large, multi-ethnic general populations. Based on the available information, this variant is classified as pathogenic.

Laboratory for Molecular Medicine, Mass General Brigham Personalized Medicine
Classification: Pathogenic for Hereditary breast ovarian cancer syndrome. Last evaluated: 2016-02-08. Review status: criteria provided, single submitter. Criteria: LMM Criteria. Collection method: clinical testing. Allele origin: germline. Inheritance: Autosomal dominant inheritance. Observed: 2 variant alleles. Not counted in ClinVar's aggregate classification.
Comment: The c.8487+1G>A variant in BRCA2 has been reported in at least 9 individuals wit h BRCA2-associated cancers (Chen 2006, Veschi 2007,Breast Cancer Information Cor e (BIC) database), and was absent from large population studies. This variant oc curs in the invariant region (+/- 1,2) of the splice consensus sequence and is p redicted to cause altered splicing leading to an abnormal or absent protein. In vitro functional studies provide evidence that the c.8487+1G>A variant impacts s plicing (Agata 2003, Acedo 2012, Chen 2006). Heterozygous loss of BRCA2 function is an established disease mechanism in hereditary breast and ovarian cancer (HB OC). Furthermore, this variant was classified as Pathogenic on August 10, 2015 b y the ClinGen-approved ENIGMA expert panel (ClinVar SCV000244485.1). In summary, this variant meets our criteria to be classified as pathogenic for HBOC in an a utosomal dominant manner based upon absence from controls, functional evidence, and predicted impact to the protein.

Consortium of Investigators of Modifiers of BRCA1/2 (CIMBA), c/o University of Cambridge
Classification: Pathogenic for Breast-ovarian cancer, familial, susceptibility to, 2. Last evaluated: 2015-10-02. Review status: criteria provided, single submitter. Criteria: CIMBA Mutation Classification guidelines May 2016. Collection method: clinical testing. Allele origin: germline. Not counted in ClinVar's aggregate classification.

Molecular Oncology, Hospital Universitario Central de Asturias (HUCA)
Classification: Pathogenic for Breast-ovarian cancer, familial, susceptibility to, 2. Last evaluated: 2021-05-24. Review status: no assertion criteria provided. Collection method: case-control. Allele origin: germline. Affected: yes. Not counted in ClinVar's aggregate classification.

Counsyl
Classification: Pathogenic for Breast-ovarian cancer, familial, susceptibility to, 2. Last evaluated: 2018-03-30. Review status: no assertion criteria provided. Collection method: clinical testing. Allele origin: unknown. Not counted in ClinVar's aggregate classification.

Research Molecular Genetics Laboratory, Women's College Hospital, University of Toronto
Classification: Pathogenic for Hereditary breast ovarian cancer syndrome. Last evaluated: 2014-01-31. Review status: no assertion criteria provided. Collection method: research. Allele origin: germline. Affected: yes. Study: The Canadian Open Genetics Repository (COGR). Not counted in ClinVar's aggregate classification.

ITMI
No classification provided. Condition: AllHighlyPenetrant. Last evaluated: 2013-09-19. Review status: no classification provided. Collection method: reference population. Allele origin: germline. Not counted in ClinVar's aggregate classification.
Comment: Please see associated publication for description of ethnicities

Sharing Clinical Reports Project (SCRP)
Classification: Pathogenic for Breast-ovarian cancer, familial 2. Last evaluated: 2012-11-30. Review status: no assertion criteria provided. Collection method: clinical testing. Allele origin: germline. Not counted in ClinVar's aggregate classification.

Breast Cancer Information Core (BIC) (BRCA2)
Classification: Pathogenic for Breast-ovarian cancer, familial 2. Last evaluated: 2004-02-20. Review status: no assertion criteria provided. Collection method: clinical testing. Allele origin: germline. Affected: yes. Observed: 7 variant alleles. Not counted in ClinVar's aggregate classification.

Literature cited by the submitters: PubMed 21990134 (cited by 5 submitters); PubMed 12606139 (cited by 7 submitters); PubMed 16619214 (cited by 7 submitters); PubMed 17591842 (cited by 5 submitters); PubMed 24156927 (cited by 5 submitters); PubMed 17924331 (cited by 3 submitters); PubMed 25085752 (cited by 4 submitters); PubMed 22632462 (cited by 6 submitters); PubMed 12442275 (cited by Labcorp Genetics (formerly Invitae), Labcorp); PubMed 15889636 (cited by Labcorp Genetics (formerly Invitae), Labcorp); PubMed 16030099 (cited by Labcorp Genetics (formerly Invitae), Labcorp); PubMed 23108138 (cited by Labcorp Genetics (formerly Invitae), Labcorp); PubMed 23233716 (cited by Labcorp Genetics (formerly Invitae), Labcorp); PubMed 25777348 (cited by Labcorp Genetics (formerly Invitae), Labcorp); PubMed 15340362 (cited by 3 submitters); PubMed 24728327 (cited by 4 submitters); PubMed 28294317 (cited by 4 submitters); PubMed 28423363 (cited by 3 submitters); PubMed 20104584 (cited by Ambry Genetics); PubMed 25525159 (cited by Ambry Genetics and Laboratory for Molecular Medicine, Mass General Brigham Personalized Medicine); PubMed 26681312 (cited by 3 submitters); PubMed 27062684 (cited by 3 submitters); PubMed 29446198 (cited by 3 submitters); PubMed 32398771 (cited by Ambry Genetics and Quest Diagnostics Nichols Institute San Juan Capistrano); PubMed 31921681 (cited by Sema4); PubMed 32438681 (cited by Sema4); PubMed 31825140 (cited by Quest Diagnostics Nichols Institute San Juan Capistrano); PubMed 30702160 (cited by Quest Diagnostics Nichols Institute San Juan Capistrano); PubMed 38922859 (cited by Molecular Oncology, Hospital Universitario Central de Asturias (HUCA)).